The following is an entry in ClinVar:

ClinVar aggregate classification (germline): Pathogenic/Likely pathogenic. Review status: criteria provided, multiple submitters, no conflicts (2 of 4 stars). 4 submissions from 4 submitters: Pathogenic (2); Likely pathogenic (2). Last evaluated 2025-12-26.

Conditions:
Bronchiectasis with or without elevated sweat chloride 1 (BESC1). Also called: Cystic Fibrosis-Like Syndrome. Identifiers: Orphanet 60033, MedGen C2749757, MONDO:0008887, OMIM 211400.
Cystic fibrosis (CF). Also called: MUCOVISCIDOSIS. Identifiers: Orphanet 586, MedGen C0010674, MONDO:0009061, OMIM 219700. Disease mechanism: loss of function.
CFTR-related disorder (CFTR-RD). Also called: CFTR-related disorders; CFTR-related condition. Identifiers: MedGen C5924204, MONDO:7770004.

Submissions (4):

Natera, Inc.
Classification: Likely pathogenic for CFTR-related disorders. Last evaluated: 2025-12-26. Review status: criteria provided, single submitter. Criteria: Natera Variant Classification Schema (03/2026). Collection method: clinical testing. Allele origin: germline.
Comment: The c.1334delA variant in CFTR is a frameshift variant predicted to shift the reading frame beginning at codon 445 and leads to a stop codon 4 codons downstream. This variant is expected to result in nonsense mediated decay, truncation, or a dysfunctional protein product. This variant is rare in the general population with a frequency below the threshold expected for the associated phenotype(s). Given the available evidence, this variant is classified as Likely Pathogenic.

Women's Health and Genetics/Laboratory Corporation of America, LabCorp
Classification: Pathogenic for Cystic fibrosis. Last evaluated: 2025-05-19. Review status: criteria provided, single submitter. Criteria: LabCorp Variant Classification Summary - May 2015. Collection method: clinical testing. Allele origin: germline.
Comment: Variant summary: CFTR c.1334delA (p.Asn445IlefsX4) results in a premature termination codon, predicted to cause a truncation of the encoded protein or absence of the protein due to nonsense mediated decay, which are commonly known mechanisms for disease. The variant was absent in 242776 control chromosomes. To our knowledge, no occurrence of c.1334delA in individuals affected with Cystic Fibrosis and no experimental evidence demonstrating its impact on protein function have been reported. ClinVar contains an entry for this variant (Variation ID: 1449135). Based on the evidence outlined above, the variant was classified as pathogenic.

Baylor Genetics
Classification: Likely pathogenic for Bronchiectasis with or without elevated sweat chloride 1. Last evaluated: 2023-09-28. Review status: criteria provided, single submitter. Criteria: ACMG Guidelines, 2015. Collection method: clinical testing. Allele origin: unknown.

Labcorp Genetics (formerly Invitae), Labcorp
Classification: Pathogenic for Cystic fibrosis. Last evaluated: 2021-09-05. Review status: criteria provided, single submitter. Criteria: Invitae Variant Classification Sherloc (09022015). Collection method: clinical testing. Allele origin: germline.
Comment: This variant has not been reported in the literature in individuals affected with CFTR-related conditions. For these reasons, this variant has been classified as Pathogenic. This variant is not present in population databases (ExAC no frequency). This sequence change creates a premature translational stop signal (p.Asn445Ilefs*4) in the CFTR gene. It is expected to result in an absent or disrupted protein product. Loss-of-function variants in CFTR are known to be pathogenic (PMID: 1695717, 7691345, 9725922).

Literature cited by the submitters: PubMed 1695717 (cited by Labcorp Genetics (formerly Invitae), Labcorp); PubMed 7691345 (cited by Labcorp Genetics (formerly Invitae), Labcorp); PubMed 9725922 (cited by Labcorp Genetics (formerly Invitae), Labcorp).

NM_000492.4(CFTR):c.1334del (p.Asn445fs)

Genes: CFTR (CF transmembrane conductance regulator; plus strand), CFTR-AS1 (CFTR antisense RNA 1; minus strand). Cytogenetic location: 7q31.2.
Variant type: Deletion.
Coding change: c.1334del on transcript NM_000492.4 (MANE Select); coding-DNA position 1334, one base deleted (A; older notation c.1334delA).
Protein change: p.Asn445fs; shifts the reading frame from asparagine 445.
Molecular consequence: frameshift variant.
Genome position (GRCh38, 1-based): chr7:117,548,765, A deleted; the last of 2 consecutive A bases (chr7:117,548,764-117,548,765); deleting either gives the same sequence. VCF-style (leftmost placement, unchanged base first): chr7-117548763-TA-T. GRCh37 (hg19) VCF-style: chr7-117188817-TA-T.
Other names: c.1334delA (NM_000492.4, NM_000492.3); short protein forms N445fs.
Identifiers: ClinVar variation 1449135 (VCV001449135.9), dbSNP rs2115903565, ClinGen allele CA2573141585.